The following is an entry in ClinVar:

NM_001040436.3(YARS2):c.931G>A (p.Asp311Asn)

Gene: YARS2 (tyrosyl-tRNA synthetase 2; minus strand). Cytogenetic location: 12p11.21.
Variant type: single nucleotide variant.
Coding change: c.931G>A on transcript NM_001040436.3 (MANE Select); coding-DNA position 931, G replaced by A.
Protein change: p.Asp311Asn; replaces aspartic acid 311 with asparagine.
Molecular consequence: missense variant.
Genome position (GRCh38, 1-based): chr12:32,753,934, C>T on the plus strand (G>A on the coding strand, the complement: YARS2 is on the minus strand). VCF-style: chr12-32753934-C-T. GRCh37 (hg19) VCF-style: chr12-32906868-C-T.
Other names: short protein forms D311N.
Identifiers: ClinVar variation 1503491 (VCV001503491.6), dbSNP rs1955795435, ClinGen allele CA384372582.

ClinVar aggregate classification (germline): Uncertain significance (1 of 4 stars; one submission).

Allele frequency attached by ClinVar (database versions not stated): gnomAD exomes below 0.00001.
gnomAD v4.1: 1 of 1,614,194 alleles (0.000062%); highest among the groups gnomAD compares: Non-Finnish European, 0.000085%; no homozygotes.

Submission:

Labcorp Genetics (formerly Invitae), Labcorp
Classification: Uncertain significance. Last evaluated: 2021-11-13. Review status: criteria provided, single submitter. Criteria: Invitae Variant Classification Sherloc (09022015). Collection method: clinical testing. Allele origin: germline.
Comment: In summary, the available evidence is currently insufficient to determine the role of this variant in disease. Therefore, it has been classified as a Variant of Uncertain Significance. Advanced modeling of protein sequence and biophysical properties (such as structural, functional, and spatial information, amino acid conservation, physicochemical variation, residue mobility, and thermodynamic stability) performed at Invitae indicates that this missense variant is expected to disrupt YARS2 protein function. This variant has not been reported in the literature in individuals affected with YARS2-related conditions. This variant is not present in population databases (gnomAD no frequency). This sequence change replaces aspartic acid, which is acidic and polar, with asparagine, which is neutral and polar, at codon 311 of the YARS2 protein (p.Asp311Asn).